The following is an entry in ClinVar:

NM_144988.4(ALG14):c.179C>G (p.Ser60Cys)

Genes: ALG14 (ALG14 UDP-N-acetylglucosaminyltransferase subunit; minus strand), ALG14-AS1 (ALG14 antisense RNA 1; plus strand). Cytogenetic location: 1p21.3.
Variant type: single nucleotide variant.
Coding change: c.179C>G on transcript NM_144988.4 (MANE Select); coding-DNA position 179, C replaced by G.
Protein change: p.Ser60Cys; replaces serine 60 with cysteine.
Molecular consequence: missense variant.
Genome position (GRCh38, 1-based): chr1:95,064,975, G>C on the plus strand (C>G on the coding strand, the complement: ALG14 is on the minus strand). VCF-style: chr1-95064975-G-C. GRCh37 (hg19) VCF-style: chr1-95530531-G-C.
Other names: c.179C>G, p.Ser60Cys (NM_001305242.2); short protein forms S60C.
Identifiers: ClinVar variation 390702 (VCV000390702.6), dbSNP rs780277809, ClinGen allele CA961852.

ClinVar aggregate classification (germline): Uncertain significance. Review status: criteria provided, multiple submitters, no conflicts (2 of 4 stars). 6 submissions from 4 submitters: Uncertain significance (6). Last evaluated 2024-06-07.

Conditions:
Myopathy, epilepsy, and progressive cerebral atrophy. Identifiers: MedGen C5436652, MONDO:0033619, OMIM 619036.
Intellectual developmental disorder with epilepsy, behavioral abnormalities, and coarse facies. Identifiers: MedGen C5436646, MONDO:0033572, OMIM 619031.
Inborn genetic diseases. Identifiers: MedGen C0950123, MeSH D030342.
Congenital myasthenic syndrome 15. Also called: Myasthenic syndrome, congenital, 15, without tubular aggregates. Identifiers: Orphanet 353327, Orphanet 590, MedGen C4015596, MONDO:0014542, OMIM 616227.

Allele frequency attached by ClinVar (database versions not stated): ExAC 0.00008; TOPMed 0.00008; gnomAD exomes 0.00009 and 0.00002; gnomAD 0.00010 and 0.00011.

Submissions (6):

Ambry Genetics
Classification: Uncertain significance for Inborn genetic diseases. Last evaluated: 2024-06-07. Review status: criteria provided, single submitter. Criteria: Ambry Variant Classification Scheme 2023. Collection method: clinical testing. Allele origin: germline.

Genome-Nilou Lab
Classification: Uncertain significance for Congenital myasthenic syndrome 15. Last evaluated: 2023-04-11. Review status: criteria provided, single submitter. Criteria: ACMG Guidelines, 2015. Collection method: clinical testing. Allele origin: germline. Affected: no.

Genome-Nilou Lab
Classification: Uncertain significance for Intellectual developmental disorder with epilepsy, behavioral abnormalities, and coarse facies. Last evaluated: 2023-04-11. Review status: criteria provided, single submitter. Criteria: ACMG Guidelines, 2015. Collection method: clinical testing. Allele origin: germline. Affected: no.

Genome-Nilou Lab
Classification: Uncertain significance for Myopathy, epilepsy, and progressive cerebral atrophy. Last evaluated: 2023-04-11. Review status: criteria provided, single submitter. Criteria: ACMG Guidelines, 2015. Collection method: clinical testing. Allele origin: germline. Affected: no.

Labcorp Genetics (formerly Invitae), Labcorp
Classification: Uncertain significance for Congenital myasthenic syndrome 15. Last evaluated: 2022-07-15. Review status: criteria provided, single submitter. Criteria: Invitae Variant Classification Sherloc (09022015). Collection method: clinical testing. Allele origin: germline.
Comment: This sequence change replaces serine, which is neutral and polar, with cysteine, which is neutral and slightly polar, at codon 60 of the ALG14 protein (p.Ser60Cys). This variant is present in population databases (rs780277809, gnomAD 0.09%). This variant has not been reported in the literature in individuals affected with ALG14-related conditions. ClinVar contains an entry for this variant (Variation ID: 390702). Algorithms developed to predict the effect of missense changes on protein structure and function are either unavailable or do not agree on the potential impact of this missense change (SIFT: "Deleterious"; PolyPhen-2: "Probably Damaging"; Align-GVGD: "Class C0"). In summary, the available evidence is currently insufficient to determine the role of this variant in disease. Therefore, it has been classified as a Variant of Uncertain Significance.

GeneDx
Classification: Uncertain significance. Last evaluated: 2016-11-15. Review status: criteria provided, single submitter. Criteria: GeneDx Variant Classification (06012015). Collection method: clinical testing. Allele origin: germline. Affected: yes.
Comment: The S60C variant in the ALG14 gene has not been reported previously as a pathogenic variant, nor asa benign variant, to our knowledge. The S60C variant was not observed in approximately 6500individuals of European and African American ancestry in the NHLBI Exome Sequencing Project,indicating it is not a common benign variant in these populations. The S60C variant is anon-conservative amino acid substitution, which is likely to impact secondary protein structure asthese residues differ in polarity, charge, size and/or other properties. This substitution occurs at aposition that is conserved in mammals and in silico analysis predicts this variant is probably damagingto the protein structure/function. A missense variant in nearby residue (P65L) has been reported in the Human Gene Mutation Database in association with congenital myasthenic syndrome (Stenson et al.,2014), supporting the functional importance of this region of the protein. We interpret S60C as avariant of uncertain significance.